The following is an entry in ClinVar:

NM_014159.7(SETD2):c.4622A>G (p.Asn1541Ser)

Gene: SETD2 (SET domain containing 2, histone lysine methyltransferase; minus strand). Cytogenetic location: 3p21.31.
Variant type: single nucleotide variant.
Coding change: c.4622A>G on transcript NM_014159.7 (MANE Select); coding-DNA position 4622, A replaced by G.
Protein change: p.Asn1541Ser; replaces asparagine 1541 with serine.
Molecular consequence: missense variant. On other transcripts: non-coding transcript variant (1).
Genome position (GRCh38, 1-based): chr3:47,113,969, T>C on the plus strand (A>G on the coding strand, the complement: SETD2 is on the minus strand). VCF-style: chr3-47113969-T-C. GRCh37 (hg19) VCF-style: chr3-47155459-T-C.
Other names: c.4490A>G, p.Asn1497Ser (NM_001349370.3); short protein forms N1497S, N1541S.
Identifiers: ClinVar variation 2429065 (VCV002429065.4), dbSNP rs2107719708, ClinGen allele CA352515981.
Genomic context (GRCh38, chr3:47,113,969, plus strand): 5'-CCTTTCTTTTCTGTGAGTATGACTTCCACATCTGCATGCTGTTTTCTCTGAAACCGTCTA[T>C]TGGAACAATAATCCCCATTTGGACACCGAGAAGAACTGAAATGAGAAAAGGAGGAAATTT-3'
Protein context (NP_054878.5, residues 1531-1551): SRCPNGDYCS[Asn1541Ser]RRFQRKQHAD

ClinVar aggregate classification (germline): Uncertain significance (1 of 4 stars; one submission).

Submission:

Greenwood Genetic Center Diagnostic Laboratories, Greenwood Genetic Center
Classification: Uncertain significance. Last evaluated: 2022-10-11. Review status: criteria provided, single submitter. Criteria: ACMG Guidelines, 2015. Collection method: clinical testing. Allele origin: germline. Affected: yes.
Comment: PM2, PP3